The following is an entry in ClinVar:

NM_032043.3(BRIP1):c.1802C>A (p.Ser601Ter)

Gene: BRIP1 (BRCA1 interacting DNA helicase 1; minus strand). Cytogenetic location: 17q23.2.
Variant type: single nucleotide variant.
Coding change: c.1802C>A on transcript NM_032043.3 (MANE Select); coding-DNA position 1802, C replaced by A.
Protein change: p.Ser601Ter; replaces serine 601 with a stop codon.
Molecular consequence: nonsense.
Genome position (GRCh38, 1-based): chr17:61,780,394, G>T on the plus strand (C>A on the coding strand, the complement: BRIP1 is on the minus strand). VCF-style: chr17-61780394-G-T. GRCh37 (hg19) VCF-style: chr17-59857755-G-T.
Other names: short protein forms S601*.
Identifiers: ClinVar variation 2583373 (VCV002583373.2), dbSNP rs2145081656, ClinGen allele CA400480219.

ClinVar aggregate classification (germline): Pathogenic (1 of 4 stars; one submission).

Conditions:
Familial cancer of breast. Also called: Hereditary breast cancer; BREAST CANCER, FAMILIAL; hereditary breast carcinoma. Identifiers: Orphanet 227535, MedGen C0346153, MONDO:0016419, OMIM 114480. Disease mechanism: loss of function.

Submission:

Myriad Genetics, Inc.
Classification: Pathogenic for Familial cancer of breast. Last evaluated: 2023-06-05. Review status: criteria provided, single submitter. Criteria: Myriad Autosomal Dominant, Autosomal Recessive and X-Linked Classification Criteria (2023). Collection method: clinical testing. Allele origin: unknown.
Comment: This variant is considered pathogenic. This variant creates a termination codon and is predicted to result in premature protein truncation.